The following is an entry in ClinVar:

ClinVar aggregate classification (germline): Benign/Likely benign. Review status: criteria provided, multiple submitters, no conflicts (2 of 4 stars). 7 submissions from 6 submitters: Benign (6); Likely benign (1). Last evaluated 2026-05-09.

Conditions:
Pseudoachondroplastic spondyloepiphyseal dysplasia syndrome (PSACH). Also called: Pseudoachondroplasia; PSEUDOACHONDROPLASTIC DYSPLASIA; COMP-Related Pseudoachondroplasia. Identifiers: Orphanet 750, MedGen C0410538, MONDO:0008322, OMIM 177170.
Multiple epiphyseal dysplasia type 1. Also called: COMP-Related Multiple Epiphyseal Dysplasia. Identifiers: Orphanet 93308, MedGen C1838280, MONDO:0007561, OMIM 132400.

Allele frequency attached by ClinVar (database versions not stated): TOPMed 0.06642; 1000 Genomes Project 30x 0.06793; gnomAD exomes 0.00676 and 0.01670; ExAC 0.01987; gnomAD 0.05893 and 0.06295; 1000 Genomes Project 0.06550; ESP Exome Variant Server 0.06635.
gnomAD v4.1: 19,283 of 1,611,810 alleles (1.2%); highest among the groups gnomAD compares: African/African-American, 21%; 1,656 homozygotes.

Submissions (7):

Women's Health and Genetics/Laboratory Corporation of America, LabCorp
Classification: Likely benign. Last evaluated: 2026-05-09. Review status: criteria provided, single submitter. Criteria: LabCorp Variant Classification Summary - May 2015. Collection method: clinical testing. Allele origin: germline.

Labcorp Genetics (formerly Invitae), Labcorp
Classification: Benign. Last evaluated: 2026-02-01. Review status: criteria provided, single submitter. Criteria: Invitae Variant Classification Sherloc (09022015). Collection method: clinical testing. Allele origin: germline.

Illumina Laboratory Services, Illumina
Classification: Benign for Multiple epiphyseal dysplasia type 1. Last evaluated: 2018-01-13. Review status: criteria provided, single submitter. Criteria: ICSL Variant Classification Criteria 13 December 2019. Collection method: clinical testing. Allele origin: germline.
Comment: This variant was observed in the ICSL laboratory as part of a predisposition screen in an ostensibly healthy population. It had not been previously curated by ICSL or reported in the Human Gene Mutation Database (HGMD: prior to June 1st, 2018), and was therefore a candidate for classification through an automated scoring system. Utilizing variant allele frequency, disease prevalence and penetrance estimates, and inheritance mode, an automated score was calculated to assess if this variant is too frequent to cause the disease. Based on the score and internal cut-off values, a variant classified as benign is not then subjected to further curation. The score for this variant resulted in a classification of benign for this disease.

Illumina Laboratory Services, Illumina
Classification: Benign for Pseudoachondroplastic spondyloepiphyseal dysplasia syndrome. Last evaluated: 2018-01-13. Review status: criteria provided, single submitter. Criteria: ICSL Variant Classification Criteria 13 December 2019. Collection method: clinical testing. Allele origin: germline.
Comment: the same text as in the submission from Illumina Laboratory Services, Illumina above.

GeneDx
Classification: Benign. Last evaluated: 2015-12-22. Review status: criteria provided, single submitter. Criteria: GeneDx Variant Classification (06012015). Collection method: clinical testing. Allele origin: germline. Affected: yes.
Comment: This variant is considered likely benign or benign based on one or more of the following criteria: it is a conservative change, it occurs at a poorly conserved position in the protein, it is predicted to be benign by multiple in silico algorithms, and/or has population frequency not consistent with disease.

Breakthrough Genomics
Classification: Benign. Review status: criteria provided, single submitter. Criteria: ACMG Guidelines, 2015. Collection method: not provided. Allele origin: germline. Inheritance: Autosomal dominant inheritance. Affected: yes.

PreventionGenetics, part of Exact Sciences
Classification: Benign. Review status: criteria provided, single submitter. Criteria: ACMG Guidelines, 2015. Collection method: clinical testing. Allele origin: germline.

NM_000095.3(COMP):c.2267A>G (p.Gln756Arg)

Gene: COMP (cartilage oligomeric matrix protein; minus strand). Cytogenetic location: 19p13.11.
Variant type: single nucleotide variant.
Coding change: c.2267A>G on transcript NM_000095.3 (MANE Select); coding-DNA position 2267, A replaced by G.
Protein change: p.Gln756Arg; replaces glutamine 756 with arginine.
Molecular consequence: missense variant.
Genome position (GRCh38, 1-based): chr19:18,782,922, T>C on the plus strand (A>G on the coding strand, the complement: COMP is on the minus strand). VCF-style: chr19-18782922-T-C. GRCh37 (hg19) VCF-style: chr19-18893732-T-C.
Other names: short protein forms Q756R.
Identifiers: ClinVar variation 255124 (VCV000255124.16), dbSNP rs61752496, ClinGen allele CA9316113.